The following is an entry in ClinVar:

NM_000057.4(BLM):c.262G>A (p.Asp88Asn)

Gene: BLM (BLM RecQ like helicase; plus strand). Cytogenetic location: 15q26.1.
Variant type: single nucleotide variant.
Coding change: c.262G>A on transcript NM_000057.4 (MANE Select); coding-DNA position 262, G replaced by A.
Protein change: p.Asp88Asn; replaces aspartic acid 88 with asparagine.
Molecular consequence: missense variant. On other transcripts: 5 prime UTR variant (1).
Genome position (GRCh38, 1-based): chr15:90,749,530, G>A. VCF-style: chr15-90749530-G-A. GRCh37 (hg19) VCF-style: chr15-91292760-G-A.
Other names: c.262G>A, p.Asp88Asn (NM_001287246.2, NM_001287247.2); c.-1030G>A (NM_001287248.2); short protein forms D88N.
Identifiers: ClinVar variation 5032915 (VCV005032915.1).

ClinVar aggregate classification (germline): Uncertain significance (1 of 4 stars; one submission).

Conditions:
Hereditary cancer-predisposing syndrome. Also called: Neoplastic Syndromes, Hereditary; Tumor predisposition; Hereditary neoplastic syndrome; Hereditary Cancer Syndrome. Identifiers: Orphanet 140162, MedGen C0027672, MeSH D009386, MONDO:0015356.

Submission:

Ambry Genetics
Classification: Uncertain significance for Hereditary cancer-predisposing syndrome. Last evaluated: 2026-07-25. Review status: criteria provided, single submitter. Criteria: Ambry Variant Classification Scheme 2023. Collection method: clinical testing. Allele origin: germline.
Comment: The p.D88N variant (also known as c.262G>A), located in coding exon 2 of the BLM gene, results from a G to A substitution at nucleotide position 262. The aspartic acid at codon 88 is replaced by asparagine, an amino acid with highly similar properties. This amino acid position is conserved. In addition, this alteration is predicted to be tolerated by in silico analysis. Based on the available evidence, the clinical significance of this variant remains unclear.